The following is an entry in ClinVar:

ClinVar aggregate classification (germline): Uncertain significance (1 of 4 stars; one submission).

Allele frequency attached by ClinVar (database versions not stated): gnomAD exomes below 0.00001; gnomAD 0.00001; TOPMed 0.00001.
gnomAD v4.1: 3 of 1,609,880 alleles (0.00019%); highest among the groups gnomAD compares: African/African-American, 0.0013%; no homozygotes.

Submission:

Labcorp Genetics (formerly Invitae), Labcorp
Classification: Uncertain significance. Last evaluated: 2022-04-12. Review status: criteria provided, single submitter. Criteria: Invitae Variant Classification Sherloc (09022015). Collection method: clinical testing. Allele origin: germline.
Comment: This sequence change affects a donor splice site in intron 20 of the MICAL1 gene. It is expected to disrupt RNA splicing. Variants that disrupt the donor or acceptor splice site typically lead to a loss of protein function (PMID: 16199547), however the current clinical and genetic evidence is not sufficient to establish whether loss-of-function variants in MICAL1 cause disease. In summary, the available evidence is currently insufficient to determine the role of this variant in disease. Therefore, it has been classified as a Variant of Uncertain Significance. Algorithms developed to predict the effect of sequence changes on RNA splicing suggest that this variant may disrupt the consensus splice site. This variant has not been reported in the literature in individuals affected with MICAL1-related conditions. The frequency data for this variant in the population databases is considered unreliable, as metrics indicate poor data quality at this position in the gnomAD database.

Literature cited by the submitters: PubMed 16199547.

NM_022765.4(MICAL1):c.2673+1G>A

Gene: MICAL1 (microtubule associated monooxygenase, calponin and LIM domain containing 1; minus strand). Cytogenetic location: 6q21.
Variant type: single nucleotide variant.
Coding change: c.2673+1G>A on transcript NM_022765.4 (MANE Select); the canonical splice donor site of the intron after coding-DNA position 2673, G replaced by A.
Molecular consequence: splice donor variant.
Genome position (GRCh38, 1-based): chr6:109,445,770, C>T on the plus strand (G>A on the coding strand, the complement: MICAL1 is on the minus strand). VCF-style: chr6-109445770-C-T. GRCh37 (hg19) VCF-style: chr6-109766973-C-T.
Other names: c.2730+1G>A (NM_001286613.2); c.2415+1G>A (NM_001159291.2).
Identifiers: ClinVar variation 1974951 (VCV001974951.5), dbSNP rs896675855, ClinGen allele CA145117057.